The following is an entry in ClinVar:

NM_000140.5(FECH):c.195-2A>G

Gene: FECH (ferrochelatase; minus strand). Cytogenetic location: 18q21.31.
Variant type: single nucleotide variant.
Coding change: c.195-2A>G on transcript NM_000140.5 (MANE Select); the canonical splice acceptor site of the intron before coding-DNA position 195, A replaced by G.
Molecular consequence: splice acceptor variant.
Genome position (GRCh38, 1-based): chr18:57,573,367, T>C on the plus strand (A>G on the coding strand, the complement: FECH is on the minus strand). VCF-style: chr18-57573367-T-C. GRCh37 (hg19) VCF-style: chr18-55240599-T-C.
Other names: c.195-2A>G (NM_001371094.1, NM_001374778.1); c.213-2A>G (NM_001012515.4); c.-22-2A>G (NM_001371095.1).
Identifiers: ClinVar variation 3723163 (VCV003723163.2).

ClinVar aggregate classification (germline): Pathogenic (1 of 4 stars; one submission).

Submission:

Labcorp Genetics (formerly Invitae), Labcorp
Classification: Pathogenic. Last evaluated: 2024-03-15. Review status: criteria provided, single submitter. Criteria: Invitae Variant Classification Sherloc (09022015). Collection method: clinical testing. Allele origin: germline.
Comment: This sequence change affects an acceptor splice site in intron 2 of the FECH gene. It is expected to disrupt RNA splicing. Variants that disrupt the donor or acceptor splice site typically lead to a loss of protein function (PMID: 16199547), and loss-of-function variants in FECH are known to be pathogenic (PMID: 20105171, 23016163, 23364466). This variant is not present in population databases (gnomAD no frequency). Disruption of this splice site has been observed in individuals with erythropoietic protoporphyria (PMID: 17196862, 33021473). Algorithms developed to predict the effect of sequence changes on RNA splicing suggest that this variant may disrupt the consensus splice site. For these reasons, this variant has been classified as Pathogenic.

Literature cited by the submitters: PubMed 16199547; PubMed 20105171; PubMed 23016163; PubMed 23364466; PubMed 17196862; PubMed 33021473.